The following is an entry in ClinVar:

ClinVar aggregate classification (germline): Uncertain significance. Review status: criteria provided, multiple submitters, no conflicts (2 of 4 stars). 3 submissions from 3 submitters: Uncertain significance (3). Last evaluated 2024-11-18.

Conditions:
Long QT syndrome (LQTS). Identifiers: MedGen C0023976, MeSH D008133, MONDO:0002442. Disease mechanism: loss of function. Inheritance: Various modes of inheritance.
Cardiovascular phenotype. Identifiers: MedGen CN230736.

Allele frequency attached by ClinVar (database versions not stated): gnomAD 0.00001; TOPMed 0.00001; gnomAD exomes 0.00002.
gnomAD v4.1: 26 of 1,599,690 alleles (0.0016%); highest among the groups gnomAD compares: Non-Finnish European, 0.002%; no homozygotes.

Submissions (3):

Ambry Genetics
Classification: Uncertain significance for Cardiovascular phenotype. Last evaluated: 2024-11-18. Review status: criteria provided, single submitter. Criteria: Ambry Variant Classification Scheme 2023. Collection method: clinical testing. Allele origin: germline.
Comment: The p.A2066V variant (also known as c.6197C>T), located in coding exon 47 of the CACNA1C gene, results from a C to T substitution at nucleotide position 6197. The alanine at codon 2066 is replaced by valine, an amino acid with similar properties. This amino acid position is highly conserved in available vertebrate species. In addition, the in silico prediction for this alteration is inconclusive. Based on the available evidence, the clinical significance of this variant remains unclear.

Labcorp Genetics (formerly Invitae), Labcorp
Classification: Uncertain significance for Long QT syndrome. Last evaluated: 2024-08-22. Review status: criteria provided, single submitter. Criteria: Invitae Variant Classification Sherloc (09022015). Collection method: clinical testing. Allele origin: germline.
Comment: This sequence change replaces alanine, which is neutral and non-polar, with valine, which is neutral and non-polar, at codon 2066 of the CACNA1C protein (p.Ala2066Val). This variant is not present in population databases (gnomAD no frequency). This variant has not been reported in the literature in individuals affected with CACNA1C-related conditions. ClinVar contains an entry for this variant (Variation ID: 456994). Invitae Evidence Modeling of protein sequence and biophysical properties (such as structural, functional, and spatial information, amino acid conservation, physicochemical variation, residue mobility, and thermodynamic stability) indicates that this missense variant is not expected to disrupt CACNA1C protein function with a negative predictive value of 95%. In summary, the available evidence is currently insufficient to determine the role of this variant in disease. Therefore, it has been classified as a Variant of Uncertain Significance.

CeGaT Center for Human Genetics Tuebingen
Classification: Uncertain significance. Last evaluated: 2022-02-01. Review status: criteria provided, single submitter. Criteria: CeGaT Center For Human Genetics Tuebingen Variant Classification Criteria Version 2. Collection method: clinical testing. Allele origin: germline. Affected: yes. Observed: 1 variant allele.

NM_000719.7(CACNA1C):c.6197C>T (p.Ala2066Val)

Genes: CACNA1C-AS1 (CACNA1C antisense RNA 1; minus strand), CACNA1C (calcium voltage-gated channel subunit alpha1 C; plus strand). Cytogenetic location: 12p13.33.
Variant type: single nucleotide variant.
Coding change: c.6197C>T on transcript NM_000719.7 (MANE Select); coding-DNA position 6197, C replaced by T.
Protein change: p.Ala2066Val; replaces alanine 2066 with valine.
Molecular consequence: missense variant. On other transcripts: non-coding transcript variant (1).
Genome position (GRCh38, 1-based): chr12:2,690,979, C>T. VCF-style: chr12-2690979-C-T. GRCh37 (hg19) VCF-style: chr12-2800145-C-T.
Other names: c.6341C>T, p.Ala2114Val (NM_001129827.2); c.6320C>T, p.Ala2107Val (NM_001129829.2); c.6302C>T, p.Ala2101Val (NM_001129830.3, NM_001167624.3); c.6281C>T, p.Ala2094Val (NM_001129831.2); c.6257C>T, p.Ala2086Val (NM_001129832.2); c.6254C>T, p.Ala2085Val (NM_001129833.2, NM_001129834.2, NM_001129835.2); c.6248C>T, p.Ala2083Val (NM_001129836.2); c.6221C>T, p.Ala2074Val (NM_001129837.2, NM_001129838.2); and 6 more; short protein forms A2101V, A2114V, A2066V, A2126V, A2055V, A2063V, A2072V, A2094V.
Identifiers: ClinVar variation 456994 (VCV000456994.42), dbSNP rs1216146146, ClinGen allele CA383386344.